The following is an entry in ClinVar:

ClinVar aggregate classification (germline): Benign. Review status: criteria provided, multiple submitters, no conflicts (2 of 4 stars). 3 submissions from 3 submitters: Benign (2). 1 of the submissions does not count toward it. Last evaluated 2025-06-13.

Conditions:
TPO-related disorder. Also called: TPO-related condition.

Allele frequency attached by ClinVar (database versions not stated): gnomAD exomes 0.00009 and 0.00024; 1000 Genomes Project 30x 0.00031; ExAC 0.00039; 1000 Genomes Project 0.00040; gnomAD 0.00103 and 0.00114; TOPMed 0.00110; ESP Exome Variant Server 0.00162.
gnomAD v4.1: 282 of 1,607,796 alleles (0.018%); highest among the groups gnomAD compares: African/African-American, 0.36%; no homozygotes.

Submissions (3):

Labcorp Genetics (formerly Invitae), Labcorp
Classification: Benign. Last evaluated: 2025-06-13. Review status: criteria provided, single submitter. Criteria: Invitae Variant Classification Sherloc (09022015). Collection method: clinical testing. Allele origin: germline.

Breakthrough Genomics
Classification: Benign. Review status: criteria provided, single submitter. Criteria: ACMG Guidelines, 2015. Collection method: not provided. Allele origin: germline. Inheritance: Autosomal recessive inheritance. Affected: yes.

PreventionGenetics, part of Exact Sciences
Classification: Likely benign for TPO-related condition. Last evaluated: 2024-03-27. Review status: no assertion criteria provided. Collection method: clinical testing. Allele origin: germline. Not counted in ClinVar's aggregate classification.
Comment: This variant is classified as likely benign based on ACMG/AMP sequence variant interpretation guidelines (Richards et al. 2015 PMID: 25741868, with internal and published modifications).

NM_001206744.2(TPO):c.978G>A (p.Ala326=)

Gene: TPO (thyroid peroxidase; plus strand). Cytogenetic location: 2p25.3.
Variant type: single nucleotide variant.
Coding change: c.978G>A on transcript NM_001206744.2 (MANE Select); coding-DNA position 978, G replaced by A.
Protein change: p.Ala326=; no amino-acid change (alanine 326 retained).
Molecular consequence: synonymous variant. On other transcripts: intron variant (1).
Genome position (GRCh38, 1-based): chr2:1,477,244, G>A. VCF-style: chr2-1477244-G-A. GRCh37 (hg19) VCF-style: chr2-1481016-G-A.
Other names: c.978G>A, p.Ala326= (NM_000547.6, NM_001206745.2, NM_175719.4 and 1 more transcripts); c.820-7352G>A (NM_175722.3).
Identifiers: ClinVar variation 723577 (VCV000723577.10), dbSNP rs145985334, ClinGen allele CA1511630.